The following is an entry in ClinVar:

ClinVar aggregate classification (germline): Pathogenic (0 of 4 stars; one submission).

Conditions:
Wiskott-Aldrich syndrome (WAS). Also called: WISKOTT-ALDRICH SYNDROME 1; Wiskott-aldrich syndrome, somatic; ALDRICH SYNDROME; IMMUNODEFICIENCY 2. Identifiers: Orphanet 906, MedGen C0043194, MONDO:0010518, OMIM 301000.

Submission:

San Raffaele Telethon Institute for Gene Therapy, San Raffaele Hospital
Classification: Pathogenic for WISKOTT-ALDRICH SYNDROME. Last evaluated: 2015-09-23. Review status: no assertion criteria provided. Collection method: clinical testing. Allele origin: maternal. Affected: yes.
Comment: X-linked recessive immunodeficiency characterized by thrombocytopenia, eczema, and recurrent infections

Literature cited by the submitters: PubMed 30981783.

NM_000377.3(WAS):c.1337_1338+9del

Gene: WAS (WASP actin nucleation promoting factor; plus strand). Cytogenetic location: Xp11.23.
Variant type: Deletion.
Coding change: c.1337_1338+9del on transcript NM_000377.3 (MANE Select); coding-DNA position 1337 through 9 bases into the intron after coding-DNA position 1338, 11 bases deleted (AGGTGAGGACA).
Molecular consequence: splice donor variant.
Genome position (GRCh38, 1-based): chrX:48,689,065-48,689,075, AGGTGAGGACA deleted; deleting any 11 consecutive bases within chrX:48,689,062-48,689,075 gives the same sequence; the c. name uses the placement nearest the transcript's 3' end. VCF-style (leftmost placement, unchanged base first): chrX-48689061-AACAAGGTGAGG-A. GRCh37 (hg19) VCF-style: chrX-48547450-AACAAGGTGAGG-A.
Identifiers: ClinVar variation 638574 (VCV000638574.2), dbSNP rs1602179810, ClinGen allele CA915951089.